The following is an entry in ClinVar:

NM_001164508.2(NEB):c.13183C>T (p.Pro4395Ser)

Gene: NEB (nebulin; minus strand). Cytogenetic location: 2q23.3.
Variant type: single nucleotide variant.
Coding change: c.13183C>T on transcript NM_001164508.2 (MANE Select); coding-DNA position 13183, C replaced by T.
Protein change: p.Pro4395Ser; replaces proline 4395 with serine.
Molecular consequence: missense variant. On other transcripts: intron variant (1).
Genome position (GRCh38, 1-based): chr2:151,603,649, G>A on the plus strand (C>T on the coding strand, the complement: NEB is on the minus strand). VCF-style: chr2-151603649-G-A. GRCh37 (hg19) VCF-style: chr2-152460163-G-A.
Other names: c.13183C>T, p.Pro4395Ser (NM_001164507.2, NM_001271208.2); c.11601+6160C>T (NM_004543.5); short protein forms P4395S.
Identifiers: ClinVar variation 3054089 (VCV003054089.2), dbSNP rs746187473, ClinGen allele CA1908497.
Genomic context (GRCh38, chr2:151,603,649, plus strand): 5'-TGATCTTTGCCTGGATTACTTCCGGGGTGTCAACAATGCTGGTGAATTTGAGGGCCTCAG[G>A]CTTTATACGATACAGCCTTTCATTCAAGAGATTCTGGGCATTCTTCACTCTCATCACTTC-3'
Protein context (NP_001157980.2, residues 4385-4405): LLNERLYRIK[Pro4395Ser]EALKFTSIVD

ClinVar aggregate classification (germline): Uncertain significance (0 of 4 stars; one submission).

Conditions:
NEB-related disorder. Also called: NEB-related condition; NEB-Related Disorders.

Allele frequency attached by ClinVar (database versions not stated): ExAC 0.00016.

Submission:

PreventionGenetics, part of Exact Sciences
Classification: Uncertain significance for NEB-related condition. Last evaluated: 2023-12-20. Review status: no assertion criteria provided. Collection method: clinical testing. Allele origin: germline.
Comment: The NEB c.13183C>T variant is predicted to result in the amino acid substitution p.Pro4395Ser. To our knowledge, this variant has not been reported in the literature. This variant is reported in 0.010% of alleles in individuals of East Asian descent in gnomAD. At this time, the clinical significance of this variant is uncertain due to the absence of conclusive functional and genetic evidence.